The following is an entry in ClinVar:

ClinVar aggregate classification (germline): Uncertain significance. Review status: criteria provided, multiple submitters, no conflicts (2 of 4 stars). 2 submissions from 2 submitters: Uncertain significance (2). Last evaluated 2026-04-01.

Conditions:
Inborn genetic diseases. Identifiers: MedGen C0950123, MeSH D030342.

gnomAD v4.1: 1 of 1,614,226 alleles (0.000062%); highest among the groups gnomAD compares: Non-Finnish European, 0.000085%; no homozygotes.

Submissions (2):

Ambry Genetics
Classification: Uncertain significance for Inborn genetic diseases. Last evaluated: 2026-04-01. Review status: criteria provided, single submitter. Criteria: Ambry Variant Classification Scheme 2023. Collection method: clinical testing. Allele origin: germline.

Dasa
Classification: Uncertain significance. Last evaluated: 2025-07-26. Review status: criteria provided, single submitter. Criteria: DASA Assertion Criteria. Collection method: clinical testing. Allele origin: germline.
Comment: NM_003412.4(ZIC1):c.670G>A (p.Glu224Lys) is a missense variant that results in the substitution of glutamic acid with lysine. This variant is rare in population databases. The currently available literature and clinical evidence are not sufficient to establish a definitive association between this variant and the reported condition. Therefore, this variant is classified as a variant of uncertain significance.

NM_003412.4(ZIC1):c.670G>A (p.Glu224Lys)

Gene: ZIC1 (Zic family zinc finger 1; plus strand). Cytogenetic location: 3q24.
Variant type: single nucleotide variant.
Coding change: c.670G>A on transcript NM_003412.4 (MANE Select); coding-DNA position 670, G replaced by A.
Protein change: p.Glu224Lys; replaces glutamic acid 224 with lysine.
Molecular consequence: missense variant.
Genome position (GRCh38, 1-based): chr3:147,410,782, G>A. VCF-style: chr3-147410782-G-A. GRCh37 (hg19) VCF-style: chr3-147128569-G-A.
Other names: short protein forms E224K.
Identifiers: ClinVar variation 4866894 (VCV004866894.3).